The following is an entry in ClinVar:

ClinVar aggregate classification (germline): Conflicting classifications of pathogenicity. Review status: criteria provided, conflicting classifications (1 of 4 stars). 4 submissions from 4 submitters: Uncertain significance (3); Likely benign (1). Last evaluated 2025-06-16.

Conditions:
Ataxia-telangiectasia syndrome (AT). Also called: Ataxia-telangiectasia, complementation group D; AT, COMPLEMENTATION GROUP C; Ataxia-telangiectasia; ATAXIA-TELANGIECTASIA, COMPLEMENTATION GROUP A; ATAXIA-TELANGIECTASIA, FRESNO VARIANT; LOUIS-BAR SYNDROME. Identifiers: Orphanet 100, MedGen C0004135, MONDO:0008840, OMIM 208900.
Hereditary cancer-predisposing syndrome. Also called: Hereditary Cancer Syndrome; Neoplastic Syndromes, Hereditary; Tumor predisposition; Hereditary neoplastic syndrome. Identifiers: Orphanet 140162, MedGen C0027672, MeSH D009386, MONDO:0015356.

Allele frequency attached by ClinVar (database versions not stated): gnomAD exomes below 0.00001.

Submissions (4):

Ambry Genetics
Classification: Likely benign for Hereditary cancer-predisposing syndrome. Last evaluated: 2025-06-16. Review status: criteria provided, single submitter. Criteria: Ambry Variant Classification Scheme 2023. Collection method: clinical testing. Allele origin: germline.

Athena Diagnostics
Classification: Uncertain significance. Last evaluated: 2025-01-13. Review status: criteria provided, single submitter. Criteria: Athena Diagnostics Criteria. Collection method: clinical testing. Allele origin: unknown.
Comment: Available data are insufficient to determine the clinical significance of the variant at this time. This variant has not been reported in large, multi-ethnic general populations. Polyphen and MutationTaster predict this amino acid change may be benign.

Labcorp Genetics (formerly Invitae), Labcorp
Classification: Uncertain significance for Ataxia-telangiectasia syndrome. Last evaluated: 2024-08-06. Review status: criteria provided, single submitter. Criteria: Invitae Variant Classification Sherloc (09022015). Collection method: clinical testing. Allele origin: germline.
Comment: This sequence change replaces threonine, which is neutral and polar, with serine, which is neutral and polar, at codon 915 of the ATM protein (p.Thr915Ser). This variant is not present in population databases (gnomAD no frequency). This variant has not been reported in the literature in individuals affected with ATM-related conditions. ClinVar contains an entry for this variant (Variation ID: 631350). An algorithm developed to predict the effect of missense changes on protein structure and function outputs the following: PolyPhen-2: "Benign". The serine amino acid residue is found in multiple mammalian species, which suggests that this missense change does not adversely affect protein function. In summary, the available evidence is currently insufficient to determine the role of this variant in disease. Therefore, it has been classified as a Variant of Uncertain Significance.

Color Diagnostics, LLC DBA Color Health
Classification: Uncertain significance for Hereditary cancer-predisposing syndrome. Last evaluated: 2023-12-05. Review status: criteria provided, single submitter. Criteria: ACMG Guidelines, 2015. Collection method: clinical testing. Allele origin: germline.
Comment: This missense variant replaces threonine with serine at codon 915 of the ATM protein. Computational prediction suggests that this variant may not impact protein structure and function (internally defined REVEL score threshold <= 0.5, PMID: 27666373). To our knowledge, functional studies have not been reported for this variant. This variant has not been reported in individuals affected with ATM-related disorders in the literature. This variant has not been identified in the general population by the Genome Aggregation Database (gnomAD). The available evidence is insufficient to determine the role of this variant in disease conclusively. Therefore, this variant is classified as a Variant of Uncertain Significance.

NM_000051.4(ATM):c.2744C>G (p.Thr915Ser)

Gene: ATM (ATM serine/threonine kinase; plus strand). Cytogenetic location: 11q22.3.
Variant type: single nucleotide variant.
Coding change: c.2744C>G on transcript NM_000051.4 (MANE Select); coding-DNA position 2744, C replaced by G.
Protein change: p.Thr915Ser; replaces threonine 915 with serine.
Molecular consequence: missense variant.
Genome position (GRCh38, 1-based): chr11:108,268,515, C>G. VCF-style: chr11-108268515-C-G. GRCh37 (hg19) VCF-style: chr11-108139242-C-G.
Other names: c.2744C>G, p.Thr915Ser (NM_001351834.2); short protein forms T915S.
Identifiers: ClinVar variation 631350 (VCV000631350.10), dbSNP rs876660912, ClinGen allele CA382545409.